The following is an entry in ClinVar:

NM_003638.3(ITGA8):c.972C>T (p.Thr324=)

Gene: ITGA8 (integrin subunit alpha 8; minus strand). Cytogenetic location: 10p13.
Variant type: single nucleotide variant.
Coding change: c.972C>T on transcript NM_003638.3 (MANE Select); coding-DNA position 972, C replaced by T.
Protein change: p.Thr324=; no amino-acid change (threonine 324 retained).
Molecular consequence: synonymous variant.
Genome position (GRCh38, 1-based): chr10:15,655,383, G>A on the plus strand (C>T on the coding strand, the complement: ITGA8 is on the minus strand). VCF-style: chr10-15655383-G-A. GRCh37 (hg19) VCF-style: chr10-15697382-G-A.
Other names: c.927C>T, p.Thr309= (NM_001291494.2); c.972C>T (NM_003638.2).
Identifiers: ClinVar variation 2721693 (VCV002721693.4), dbSNP rs151180279, ClinGen allele CA5420405.

ClinVar aggregate classification (germline): Benign/Likely benign. Review status: criteria provided, multiple submitters, no conflicts (2 of 4 stars). 2 submissions from 2 submitters: Benign (1); Likely benign (1). Last evaluated 2026-03-10.

Conditions:
ITGA8-related disorder. Also called: ITGA8-related condition.

Allele frequency attached by ClinVar (database versions not stated): ExAC 0.00026; gnomAD 0.00079; TOPMed 0.00080; ESP Exome Variant Server 0.00092; 1000 Genomes Project 30x 0.00156; 1000 Genomes Project 0.00160.
gnomAD v4.1: 244 of 1,610,286 alleles (0.015%); highest among the groups gnomAD compares: African/African-American, 0.25%; no homozygotes.

Submissions (2):

PreventionGenetics, part of Exact Sciences
Classification: Likely benign for ITGA8-related condition. Last evaluated: 2026-03-10. Review status: criteria provided, single submitter. Criteria: ACMG Guidelines, 2015. Collection method: clinical testing. Allele origin: germline.
Comment: This variant is classified as likely benign based on ACMG/AMP sequence variant interpretation guidelines (Richards et al. 2015 PMID: 25741868, with internal and published modifications).

Labcorp Genetics (formerly Invitae), Labcorp
Classification: Benign. Last evaluated: 2025-11-12. Review status: criteria provided, single submitter. Criteria: Invitae Variant Classification Sherloc (09022015). Collection method: clinical testing. Allele origin: germline.